The following is an entry in ClinVar:

ClinVar aggregate classification (germline): Likely benign. Review status: criteria provided, single submitter (1 of 4 stars). 2 submissions from 2 submitters: Likely benign (1). 1 of the submissions does not count toward it. Last evaluated 2025-08-17.

Conditions:
CUL7-related disorder. Also called: CUL7-related condition.

Allele frequency attached by ClinVar (database versions not stated): TOPMed 0.00001; gnomAD exomes 0.00001; ExAC 0.00001.
gnomAD v4.1: 10 of 1,614,058 alleles (0.00062%); highest among the groups gnomAD compares: Admixed American, 0.005%; no homozygotes.

Submissions (2):

Labcorp Genetics (formerly Invitae), Labcorp
Classification: Likely benign. Last evaluated: 2025-08-17. Review status: criteria provided, single submitter. Criteria: Invitae Variant Classification Sherloc (09022015). Collection method: clinical testing. Allele origin: germline.

PreventionGenetics, part of Exact Sciences
Classification: Likely benign for CUL7-related condition. Last evaluated: 2019-06-28. Review status: no assertion criteria provided. Collection method: clinical testing. Allele origin: germline. Not counted in ClinVar's aggregate classification.
Comment: This variant is classified as likely benign based on ACMG/AMP sequence variant interpretation guidelines (Richards et al. 2015 PMID: 25741868, with internal and published modifications).

NM_014780.5(CUL7):c.816G>A (p.Ala272=)

Gene: CUL7 (cullin 7; minus strand). Cytogenetic location: 6p21.1.
Variant type: single nucleotide variant.
Coding change: c.816G>A on transcript NM_014780.5 (MANE Select); coding-DNA position 816, G replaced by A.
Protein change: p.Ala272=; no amino-acid change (alanine 272 retained).
Molecular consequence: synonymous variant.
Genome position (GRCh38, 1-based): chr6:43,051,385, C>T on the plus strand (G>A on the coding strand, the complement: CUL7 is on the minus strand). VCF-style: chr6-43051385-C-T. GRCh37 (hg19) VCF-style: chr6-43019123-C-T.
Other names: c.912G>A, p.Ala304= (NM_001168370.2, NM_001374872.1); c.816G>A, p.Ala272= (NM_001374873.1, NM_001374874.1).
Identifiers: ClinVar variation 3042430 (VCV003042430.4), dbSNP rs772341987, ClinGen allele CA3814293.
Genomic context (GRCh38, chr6:43,051,385, plus strand): 5'-CAGTTGACCCCTCTCCCCACTCAACTCCTCAGGAGCAGAGGTGTTCTGGGCTCCTGGCTC[C>T]GCAGCACTGTCGTTCAGCTGATCCAGGAGCGAGGTGACATGCAAATACCGCTTCACCAGG-3'
Protein context (NP_055595.2, residues 262-282): SLLDQLNDSA[Ala272=]EPGAQNTSAP